The following is an entry in ClinVar:

NM_003737.4(DCHS1):c.4648T>A (p.Ser1550Thr)

Gene: DCHS1 (dachsous cadherin-related 1; minus strand). Cytogenetic location: 11p15.4.
Variant type: single nucleotide variant.
Coding change: c.4648T>A on transcript NM_003737.4 (MANE Select); coding-DNA position 4648, T replaced by A.
Protein change: p.Ser1550Thr; replaces serine 1550 with threonine.
Molecular consequence: missense variant.
Genome position (GRCh38, 1-based): chr11:6,630,146, A>T on the plus strand (T>A on the coding strand, the complement: DCHS1 is on the minus strand). VCF-style: chr11-6630146-A-T. GRCh37 (hg19) VCF-style: chr11-6651377-A-T.
Other names: short protein forms S1550T.
Identifiers: ClinVar variation 4742952 (VCV004742952.1).
Genomic context (GRCh38, chr11:6,630,146, plus strand): 5'-GGGCTACCACGTGCAGGGCCGCGGGCCCAGGCGGCTGGTCCTCTGGGAGGCGCACGCGTG[A>T]CGGCGAGGCGAAGACAGGCGCGTTGTCATTCTCATCCGTGACGAAGACGCGCGCTGAAAC-3'
Protein context (NP_003728.1, residues 1540-1560): NDNAPVFASP[Ser1550Thr]RVRLPEDQPP

ClinVar aggregate classification (germline): Uncertain significance (1 of 4 stars; one submission).

Submission:

Labcorp Genetics (formerly Invitae), Labcorp
Classification: Uncertain significance. Last evaluated: 2025-11-25. Review status: criteria provided, single submitter. Criteria: Invitae Variant Classification Sherloc (09022015). Collection method: clinical testing. Allele origin: germline.
Comment: This sequence change replaces serine, which is neutral and polar, with threonine, which is neutral and polar, at codon 1550 of the DCHS1 protein (p.Ser1550Thr). This variant is not present in population databases (gnomAD no frequency). This variant has not been reported in the literature in individuals affected with DCHS1-related conditions. Invitae Evidence Modeling of protein sequence and biophysical properties (such as structural, functional, and spatial information, amino acid conservation, physicochemical variation, residue mobility, and thermodynamic stability) indicates that this missense variant is not expected to disrupt DCHS1 protein function with a negative predictive value of 80%. In summary, the available evidence is currently insufficient to determine the role of this variant in disease. Therefore, it has been classified as a Variant of Uncertain Significance.